The following is an entry in ClinVar:

ClinVar aggregate classification (germline): Pathogenic. Review status: criteria provided, multiple submitters, no conflicts (2 of 4 stars). 3 submissions from 3 submitters: Pathogenic (3). Last evaluated 2024-07-09.

Conditions:
Becker muscular dystrophy (BMD). Also called: Becker Muscular Dystrophy (BMD); MUSCULAR DYSTROPHY, PSEUDOHYPERTROPHIC PROGRESSIVE, BECKER TYPE. Identifiers: Orphanet 98895, MedGen C0917713, MONDO:0010311, OMIM 300376.
Duchenne muscular dystrophy (DMD). Also called: Duchenne Muscular Dystrophy (DMD); MUSCULAR DYSTROPHY, PSEUDOHYPERTROPHIC PROGRESSIVE, DUCHENNE TYPE. Identifiers: Orphanet 98896, MedGen C0013264, MONDO:0010679, OMIM 310200.
Dilated cardiomyopathy 3B (CMD3B). Also called: CMD3B: DMD-Related Dilated Cardiomyopathy; CARDIOMYOPATHY, DILATED, X-LINKED; DMD-Associated Dilated Cardiomyopathy. Identifiers: Orphanet 154, MedGen C3668940, MONDO:0010542, OMIM 302045.

Submissions (5):

Revvity Omics, Revvity
Classification: Pathogenic. Last evaluated: 2024-07-09. Review status: criteria provided, single submitter. Criteria: ACMG Guidelines, 2015. Collection method: clinical testing. Allele origin: germline.

Athena Diagnostics
Classification: Pathogenic. Last evaluated: 2016-03-23. Review status: criteria provided, single submitter. Criteria: Athena Diagnostics Criteria. Collection method: clinical testing. Allele origin: germline.

Juno Genomics, Hangzhou Juno Genomics, Inc
Classification: Pathogenic for Becker muscular dystrophy; Dilated cardiomyopathy 3B; Duchenne muscular dystrophy. Review status: criteria provided, single submitter. Criteria: ACMG Guidelines, 2015. Collection method: clinical testing. Allele origin: germline. Affected: yes.
Comment: Absent from controls (or at extremely low frequency if recessive) in Genome Aggregation Database.;Null variant in a gene where loss of function (LOF) is a known mechanism of disease.;Patient's phenotype or family history is highly specific for a disease with a single genetic etiology.

Dr. Peter K. Rogan Lab, Western University
No classification provided (evidence only). Condition: Thyroid cancer, nonmedullary, 1. Review status: no classification provided. Collection method: in vitro. Allele origin: not applicable. Functional consequence: retained intron. Not counted in ClinVar's aggregate classification.

Dr. Peter K. Rogan Lab, Western University
No classification provided (evidence only). Condition: Thyroid cancer, nonmedullary, 1. Review status: no classification provided. Collection method: in vitro. Allele origin: not applicable. Functional consequence: retained intron. Not counted in ClinVar's aggregate classification.

Literature cited by the submitters: PubMed 19937601 (cited by Athena Diagnostics); PubMed 23829870 (cited by Athena Diagnostics).

NM_004006.3(DMD):c.3217G>T (p.Glu1073Ter)

Gene: DMD (dystrophin; minus strand). Cytogenetic location: Xp21.1.
Variant type: single nucleotide variant.
Coding change: c.3217G>T on transcript NM_004006.3 (MANE Select); coding-DNA position 3217, G replaced by T.
Protein change: p.Glu1073Ter; replaces glutamic acid 1073 with a stop codon.
Molecular consequence: nonsense.
Genome position (GRCh38, 1-based): chrX:32,464,645, C>A on the plus strand (G>T on the coding strand, the complement: DMD is on the minus strand). VCF-style: chrX-32464645-C-A. GRCh37 (hg19) VCF-style: chrX-32482762-C-A.
Other names: NC_000023.10:g.32482762C>A; c.3193G>T, p.Glu1065Ter (NM_000109.4); c.3205G>T, p.Glu1069Ter (NM_004009.3); c.2848G>T, p.Glu950Ter (NM_004010.3); short protein forms E1073*, E950*, E1065*, E1069*.
Identifiers: ClinVar variation 447256 (VCV000447256.6), dbSNP rs398123931, ClinGen allele CA412664932.